The following is an entry in ClinVar:

ClinVar aggregate classification (germline): Uncertain significance (1 of 4 stars; one submission).

gnomAD v4.1: 1 of 1,613,560 alleles (0.000062%); highest among the groups gnomAD compares: Non-Finnish European, 0.000085%; no homozygotes.

Submission:

GeneDx
Classification: Uncertain significance. Last evaluated: 2025-03-04. Review status: criteria provided, single submitter. Criteria: GeneDx Variant Classification Process June 2021. Collection method: clinical testing. Allele origin: germline. Affected: yes.
Comment: Not observed at significant frequency in large population cohorts (gnomAD); In silico analysis supports that this missense variant has a deleterious effect on protein structure/function; Has not been previously published as pathogenic or benign to our knowledge

NM_000426.4(LAMA2):c.6815A>G (p.Asp2272Gly)

Gene: LAMA2 (laminin subunit alpha 2; plus strand). Cytogenetic location: 6q22.33.
Variant type: single nucleotide variant.
Coding change: c.6815A>G on transcript NM_000426.4 (MANE Select); coding-DNA position 6815, A replaced by G.
Protein change: p.Asp2272Gly; replaces aspartic acid 2272 with glycine.
Molecular consequence: missense variant.
Genome position (GRCh38, 1-based): chr6:129,456,442, A>G. VCF-style: chr6-129456442-A-G. GRCh37 (hg19) VCF-style: chr6-129777587-A-G.
Other names: c.6815A>G, p.Asp2272Gly (NM_001079823.2); short protein forms D2272G.
Identifiers: ClinVar variation 4082681 (VCV004082681.1).
Genomic context (GRCh38, chr6:129,456,442, plus strand): 5'-AAGCCAGCATTGTGCCCAGCACACACCATTCGACGTCTCCTCCAGGGTACACGATTCTAG[A>G]TGTGGATGCAAATGCAATGCTGTTTGTTGGTGGCCTGACTGGGAAATTAAAGGTAATGTG-3'
Protein context (NP_000417.3, residues 2262-2282): STSPPGYTIL[Asp2272Gly]VDANAMLFVG